The following is an entry in ClinVar:

ClinVar aggregate classification (germline): Uncertain significance (1 of 4 stars; one submission).

Conditions:
Leber optic atrophy (LHON). Also called: Optic Atrophy, Hereditary, Leber; Leber hereditary optic neuropathy; Leber's disease; Leber's optic atrophy. Identifiers: Orphanet 104, MedGen C0917796, MONDO:0010788, OMIM 535000, HP:0001112.

Submission:

Diagnostics Services (NGS), CSIR - Centre For Cellular And Molecular Biology
Classification: Uncertain significance for Leber optic atrophy. Last evaluated: 2024-04-24. Review status: criteria provided, single submitter. Criteria: ACMG Guidelines, 2015. Collection method: clinical testing. Allele origin: unknown. Inheritance: Mitochondrial inheritance. Affected: yes. Observed: 1 variant allele, 1 homozygote.
Comment: The m.8603T>G variant variant is not present in publicly available population databases like gnomAD v3.1, mtDB and our in-house exome database. The variant is present in MITOMAP and HelixMtdb databases at very low frequencies. This variant has neither been published in literature with MT-ATP6-related conditions nor reported to the ClinVar or OMIM databases, in any affected individuals. This variant is present in the MitImpact database (ID- MI.164). In-silico pathogenicity prediction programs like SIFT, PolyPhen-2, CADD, etc predicted this variant to be likely deleterious, however these predictions were not confirmed by published functional studies.

NC_012920.1(MT-ATP6):m.8603T>G

Gene: MT-ATP6 (mitochondrially encoded ATP synthase 6; plus strand).
Variant type: single nucleotide variant.
Genome position: chrM-8603-T-G.
Identifiers: ClinVar variation 3251971 (VCV003251971.1), dbSNP rs1603221627.